The following is an entry in ClinVar:

NM_001358921.2(COQ2):c.161G>A (p.Arg54His)

Genes: COQ2 (coenzyme Q2, polyprenyltransferase; minus strand), LOC112997540 (Sharpr-MPRA regulatory region 13773; plus strand). Cytogenetic location: 4q21.23.
Variant type: single nucleotide variant.
Coding change: c.161G>A on transcript NM_001358921.2 (MANE Select); coding-DNA position 161, G replaced by A.
Protein change: p.Arg54His; replaces arginine 54 with histidine.
Molecular consequence: missense variant.
Genome position (GRCh38, 1-based): chr4:83,284,604, C>T on the plus strand (G>A on the coding strand, the complement: COQ2 is on the minus strand). VCF-style: chr4-83284604-C-T. GRCh37 (hg19) VCF-style: chr4-84205757-C-T.
Other names: c.311G>A, p.Arg104His (NM_015697.9); short protein forms R104H, R54H.
Identifiers: ClinVar variation 1938038 (VCV001938038.5), dbSNP rs1735414065, ClinGen allele CA357230957.

ClinVar aggregate classification (germline): Uncertain significance (1 of 4 stars; one submission).

Allele frequency attached by ClinVar (database versions not stated): gnomAD exomes 0.00001; TOPMed 0.00001.
gnomAD v4.1: 9 of 1,535,534 alleles (0.00059%); highest among the groups gnomAD compares: Non-Finnish European, 0.00079%; no homozygotes.

Submission:

Labcorp Genetics (formerly Invitae), Labcorp
Classification: Uncertain significance. Last evaluated: 2021-12-12. Review status: criteria provided, single submitter. Criteria: Invitae Variant Classification Sherloc (09022015). Collection method: clinical testing. Allele origin: germline.
Comment: In summary, the available evidence is currently insufficient to determine the role of this variant in disease. Therefore, it has been classified as a Variant of Uncertain Significance. Algorithms developed to predict the effect of missense changes on protein structure and function are either unavailable or do not agree on the potential impact of this missense change (SIFT: "Deleterious"; PolyPhen-2: "Possibly Damaging"; Align-GVGD: "Class C0"). This variant has not been reported in the literature in individuals affected with COQ2-related conditions. This variant is not present in population databases (gnomAD no frequency). This sequence change replaces arginine, which is basic and polar, with histidine, which is basic and polar, at codon 104 of the COQ2 protein (p.Arg104His).